The following is an entry in ClinVar:

ClinVar aggregate classification (germline): Uncertain significance (1 of 4 stars; one submission).

gnomAD v4.1: 16 of 1,614,182 alleles (0.00099%); highest among the groups gnomAD compares: Non-Finnish European, 0.0013%; no homozygotes.

Submission:

GeneDx
Classification: Uncertain significance. Last evaluated: 2024-11-14. Review status: criteria provided, single submitter. Criteria: GeneDx Variant Classification Process June 2021. Collection method: clinical testing. Allele origin: germline. Affected: yes.
Comment: Not observed at significant frequency in large population cohorts (gnomAD); In silico analysis supports that this missense variant has a deleterious effect on protein structure/function; Has not been previously published as pathogenic or benign to our knowledge; This variant is associated with the following publications: (PMID: 25471517)

NM_005051.3(QARS1):c.1596C>G (p.Ile532Met)

Gene: QARS1 (glutaminyl-tRNA synthetase 1; minus strand). Cytogenetic location: 3p21.31.
Variant type: single nucleotide variant.
Coding change: c.1596C>G on transcript NM_005051.3 (MANE Select); coding-DNA position 1596, C replaced by G.
Protein change: p.Ile532Met; replaces isoleucine 532 with methionine.
Molecular consequence: missense variant. On other transcripts: non-coding transcript variant (1).
Genome position (GRCh38, 1-based): chr3:49,099,362, G>C on the plus strand (C>G on the coding strand, the complement: QARS1 is on the minus strand). VCF-style: chr3-49099362-G-C. GRCh37 (hg19) VCF-style: chr3-49136795-G-C.
Other names: c.1563C>G, p.Ile521Met (NM_001272073.2); short protein forms I521M, I532M.
Identifiers: ClinVar variation 3899648 (VCV003899648.1).